The following is an entry in ClinVar:

NM_001273.5(CHD4):c.101-5T>A

Gene: CHD4 (chromodomain helicase DNA binding protein 4; minus strand). Cytogenetic location: 12p13.31.
Variant type: single nucleotide variant.
Coding change: c.101-5T>A on transcript NM_001273.5 (MANE Select); 5 bases into the intron before coding-DNA position 101, T replaced by A.
Molecular consequence: intron variant.
Genome position (GRCh38, 1-based): chr12:6,602,502, A>T on the plus strand (T>A on the coding strand, the complement: CHD4 is on the minus strand). VCF-style: chr12-6602502-A-T. GRCh37 (hg19) VCF-style: chr12-6711668-A-T.
Other names: c.101-5T>A (NM_001363606.2, NM_001297553.2).
Identifiers: ClinVar variation 713014 (VCV000713014.38), dbSNP rs201854884, ClinGen allele CA6412624.
Genomic context (GRCh38, chr12:6,602,502, plus strand): 5'-CTTGAGCTTTGGAGTCTCTGTTTCTGACAAATCCTCTTCTGGGTCCTCTTCATTTTCTAC[A>T]TATATTTGGCAAAGAGTGGTAGGCAGGGAAAAGATCAATAGCAAAAGGTTAGGCCCTAAT-3'

ClinVar aggregate classification (germline): Benign/Likely benign. Review status: criteria provided, multiple submitters, no conflicts (2 of 4 stars). 4 submissions from 4 submitters: Benign (1); Likely benign (3). Last evaluated 2026-07-01.

Conditions:
CHD4-related disorder. Also called: CHD4-related condition.

Allele frequency attached by ClinVar (database versions not stated): 1000 Genomes Project 30x 0.00031; 1000 Genomes Project 0.00040; gnomAD 0.00044 and 0.00046; ESP Exome Variant Server 0.00046; ExAC 0.00047; gnomAD exomes 0.00049; TOPMed 0.00059.
gnomAD v4.1: 845 of 1,610,994 alleles (0.052%); highest among the groups gnomAD compares: Admixed American, 0.15%; 2 homozygotes.

Submissions (4):

CeGaT Center for Human Genetics Tuebingen
Classification: Likely benign. Last evaluated: 2026-07-01. Review status: criteria provided, single submitter. Criteria: CeGaT Center For Human Genetics Tuebingen Variant Classification Criteria Version 2. Collection method: clinical testing. Allele origin: germline. Affected: yes. Observed: 5 variant alleles.
Comment: CHD4: PP3, BS1

PreventionGenetics, part of Exact Sciences
Classification: Likely benign for CHD4-related condition. Last evaluated: 2025-09-24. Review status: criteria provided, single submitter. Criteria: ACMG Guidelines, 2015. Collection method: clinical testing. Allele origin: germline.
Comment: This variant is classified as likely benign based on ACMG/AMP sequence variant interpretation guidelines (Richards et al. 2015 PMID: 25741868, with internal and published modifications).

Labcorp Genetics (formerly Invitae), Labcorp
Classification: Benign. Last evaluated: 2025-07-01. Review status: criteria provided, single submitter. Criteria: Invitae Variant Classification Sherloc (09022015). Collection method: clinical testing. Allele origin: germline.

Genetic Services Laboratory, University of Chicago
Classification: Likely benign. Last evaluated: 2021-11-15. Review status: criteria provided, single submitter. Criteria: ACMG Guidelines, 2015. Collection method: clinical testing. Allele origin: germline. Affected: no.